The following is an entry in ClinVar:

ClinVar aggregate classification (germline): Uncertain significance (1 of 4 stars; one submission).

Submission:

Labcorp Genetics (formerly Invitae), Labcorp
Classification: Uncertain significance. Last evaluated: 2022-08-09. Review status: criteria provided, single submitter. Criteria: Invitae Variant Classification Sherloc (09022015). Collection method: clinical testing. Allele origin: germline.
Comment: In summary, the available evidence is currently insufficient to determine the role of this variant in disease. Therefore, it has been classified as a Variant of Uncertain Significance. Experimental studies and prediction algorithms are not available or were not evaluated, and the functional significance of this variant is currently unknown. ClinVar contains an entry for this variant (Variation ID: 1523353). This variant has not been reported in the literature in individuals affected with VPS11-related conditions. This variant is not present in population databases (gnomAD no frequency). This sequence change replaces serine, which is neutral and polar, with arginine, which is basic and polar, at codon 239 of the VPS11 protein (p.Ser239Arg).

NM_021729.6(VPS11):c.715A>C (p.Ser239Arg)

Gene: VPS11 (VPS11 core subunit of CORVET and HOPS complexes; plus strand). Cytogenetic location: 11q23.3.
Variant type: single nucleotide variant.
Coding change: c.715A>C on transcript NM_021729.6 (MANE Select); coding-DNA position 715, A replaced by C.
Protein change: p.Ser239Arg; replaces serine 239 with arginine.
Molecular consequence: missense variant. On other transcripts: non-coding transcript variant (5).
Genome position (GRCh38, 1-based): chr11:119,071,674, A>C. VCF-style: chr11-119071674-A-C. GRCh37 (hg19) VCF-style: chr11-118942384-A-C.
Other names: c.685A>C, p.Ser229Arg (NM_001290185.2); c.727A>C, p.Ser243Arg (NM_001378218.1); c.715A>C, p.Ser239Arg (NM_001378219.1, NM_001378220.1); c.697A>C, p.Ser233Arg (NM_001378221.1); short protein forms S243R, S229R, S239R, S233R.
Identifiers: ClinVar variation 1523353 (VCV001523353.6), dbSNP rs2134754874, ClinGen allele CA382967561.